The following is an entry in ClinVar:

NM_153240.5(NPHP3):c.1319C>T (p.Thr440Ile)

Genes: NPHP3 (nephrocystin 3; minus strand), NPHP3-ACAD11 (NPHP3-ACAD11 readthrough (NMD candidate); minus strand). Cytogenetic location: 3q22.1.
Variant type: single nucleotide variant.
Coding change: c.1319C>T on transcript NM_153240.5 (MANE Select); coding-DNA position 1319, C replaced by T.
Protein change: p.Thr440Ile; replaces threonine 440 with isoleucine.
Molecular consequence: missense variant. On other transcripts: non-coding transcript variant (1).
Genome position (GRCh38, 1-based): chr3:132,705,771, G>A on the plus strand (C>T on the coding strand, the complement: NPHP3 is on the minus strand). VCF-style: chr3-132705771-G-A. GRCh37 (hg19) VCF-style: chr3-132424615-G-A.
Other names: short protein forms T440I.
Identifiers: ClinVar variation 1964028 (VCV001964028.5), dbSNP rs2530455052, ClinGen allele CA354584868.
Genomic context (GRCh38, chr3:132,705,771, plus strand): 5'-ATGAAAACTTACAGAGAATGCATATTTACCTGTTTAATAATCTTTTCTACACAAATATAA[G>A]TTTTATATACTCCTTCTGCAGGATCTCCTGAGTGATCAATGATCTAGATAAAAATCATTT-3'
Protein context (NP_694972.3, residues 430-450): SGDPAEGVYK[Thr440Ile]YICVEKIIKQ

ClinVar aggregate classification (germline): Uncertain significance (1 of 4 stars; one submission).

Conditions:
Nephronophthisis. Also called: Juvenile Nephronophthisis. Identifiers: Orphanet 655, MedGen C0687120, MONDO:0019005, HP:0000090.

Submission:

Labcorp Genetics (formerly Invitae), Labcorp
Classification: Uncertain significance for Nephronophthisis. Last evaluated: 2022-04-24. Review status: criteria provided, single submitter. Criteria: Invitae Variant Classification Sherloc (09022015). Collection method: clinical testing. Allele origin: germline.
Comment: This sequence change replaces threonine, which is neutral and polar, with isoleucine, which is neutral and non-polar, at codon 440 of the NPHP3 protein (p.Thr440Ile). This variant is not present in population databases (gnomAD no frequency). This variant has not been reported in the literature in individuals affected with NPHP3-related conditions. Algorithms developed to predict the effect of missense changes on protein structure and function output the following: SIFT: "Tolerated"; PolyPhen-2: "Benign"; Align-GVGD: "Class C0". The isoleucine amino acid residue is found in multiple mammalian species, which suggests that this missense change does not adversely affect protein function. In summary, the available evidence is currently insufficient to determine the role of this variant in disease. Therefore, it has been classified as a Variant of Uncertain Significance.